The following is an entry in ClinVar:

NM_018897.3(DNAH7):c.350del (p.Pro117fs)

Gene: DNAH7 (dynein axonemal heavy chain 7; minus strand). Cytogenetic location: 2q32.3.
Variant type: Deletion.
Coding change: c.350del on transcript NM_018897.3 (MANE Select); coding-DNA position 350, one base deleted (C; older notation c.350delC).
Protein change: p.Pro117fs; shifts the reading frame from proline 117.
Molecular consequence: frameshift variant.
Genome position (GRCh38, 1-based): chr2:196,047,400, G deleted on the plus strand (C on the coding strand, the reverse complement: DNAH7 is on the minus strand); the first of 2 consecutive G bases (chr2:196,047,400-196,047,401); deleting either gives the same sequence. VCF-style (leftmost placement, unchanged base first): chr2-196047399-TG-T. GRCh37 (hg19) VCF-style: chr2-196912123-TG-T.
Other names: short protein forms P117fs.
Identifiers: ClinVar variation 5010055 (VCV005010055.1).

ClinVar aggregate classification (germline): Uncertain significance (1 of 4 stars; one submission).

Submission:

GeneDx
Classification: Uncertain significance. Last evaluated: 2026-03-05. Review status: criteria provided, single submitter. Criteria: GeneDx Variant Classification Process June 2021. Collection method: clinical testing. Allele origin: germline.
Comment: Frameshift variant predicted to result in protein truncation or nonsense mediated decay in a gene or region of a gene for which loss of function is not a well-established mechanism of disease; Has not been previously published as pathogenic or benign to our knowledge